The following is an entry in ClinVar:

NM_001291867.2(NHS):c.565+5G>A

Gene: NHS (NHS actin remodeling regulator; plus strand). Cytogenetic location: Xp22.2.
Variant type: single nucleotide variant.
Coding change: c.565+5G>A on transcript NM_001291867.2 (MANE Select); 5 bases into the intron after coding-DNA position 565, G replaced by A.
Molecular consequence: intron variant.
Genome position (GRCh38, 1-based): chrX:17,376,327, G>A. VCF-style: chrX-17376327-G-A. GRCh37 (hg19) VCF-style: chrX-17394450-G-A.
Other names: c.565+5G>A (NM_198270.4).
Identifiers: ClinVar variation 421384 (VCV000421384.6), dbSNP rs1064795101, ClinGen allele CA16621266.

ClinVar aggregate classification (germline): Conflicting classifications of pathogenicity. Review status: criteria provided, conflicting classifications (1 of 4 stars). 2 submissions from 2 submitters: Likely pathogenic (1); Uncertain significance (1). Last evaluated 2022-05-27.

Conditions:
Nance-Horan syndrome (NHS). Identifiers: Orphanet 627, MedGen C0796085, MONDO:0010545, OMIM 302350.

Submissions (2):

Labcorp Genetics (formerly Invitae), Labcorp
Classification: Uncertain significance for Nance-Horan syndrome. Last evaluated: 2022-05-27. Review status: criteria provided, single submitter. Criteria: Invitae Variant Classification Sherloc (09022015). Collection method: clinical testing. Allele origin: germline.
Comment: This sequence change falls in intron 1 of the NHS gene. It does not directly change the encoded amino acid sequence of the NHS protein. It affects a nucleotide within the consensus splice site. This variant is not present in population databases (gnomAD no frequency). In summary, the available evidence is currently insufficient to determine the role of this variant in disease. Therefore, it has been classified as a Variant of Uncertain Significance. Variants that disrupt the consensus splice site are a relatively common cause of aberrant splicing (PMID: 17576681, 9536098). Algorithms developed to predict the effect of sequence changes on RNA splicing suggest that this variant may disrupt the consensus splice site. ClinVar contains an entry for this variant (Variation ID: 421384). This variant has not been reported in the literature in individuals affected with NHS-related conditions.

GeneDx
Classification: Likely pathogenic. Last evaluated: 2016-06-01. Review status: criteria provided, single submitter. Criteria: GeneDx Variant Classification (06012015). Collection method: clinical testing. Allele origin: germline. Affected: yes.
Comment: The c.565+5G>A variant in the NHS gene has not been reported previously as a pathogenic variant nor as a benign variant, to our knowledge. This variant is predicted to destroy the canonical splice donor site in intron 1 which would result in abnormal gene splicing, either leading to an abnormal message that is subject to nonsense-mediated mRNA decay, or to an abnormal protein product if the message is used for protein translation. The c.565+5G>A variant was not observed in approximately 4800 individuals of European and African American ancestry in the NHLBI Exome Sequencing Project, indicating it is not a common benign variant in these populations. The c.565+5G>A variant is a strong candidate for a pathogenic variant, however the possibility it may be a rare benign variant cannot be excluded.

Literature cited by the submitters: PubMed 17576681 (cited by Labcorp Genetics (formerly Invitae), Labcorp); PubMed 9536098 (cited by Labcorp Genetics (formerly Invitae), Labcorp).